The following is an entry in ClinVar:

ClinVar aggregate classification (germline): Pathogenic (1 of 4 stars; one submission).

Conditions:
Cardiovascular phenotype. Identifiers: MedGen CN230736.

Submission:

Ambry Genetics
Classification: Pathogenic for Cardiovascular phenotype. Last evaluated: 2025-05-08. Review status: criteria provided, single submitter. Criteria: Ambry Variant Classification Scheme 2023. Collection method: clinical testing. Allele origin: germline.
Comment: The c.3645dupC pathogenic mutation, located in coding exon 21 of the FLNC gene, results from a duplication of C at nucleotide position 3645, causing a translational frameshift with a predicted alternate stop codon (p.Y1216Lfs*46). This variant is considered to be rare based on population cohorts in the Genome Aggregation Database (gnomAD). This alteration is expected to result in loss of function by premature protein truncation or nonsense-mediated mRNA decay. As such, this alteration is interpreted as a disease-causing mutation for FLNC-related dilated cardiomyopathy; however, its clinical significance for FLNC-related hypertrophic/restrictive cardiomyopathy and/or skeletal myopathy is uncertain.

NM_001458.5(FLNC):c.3645dup (p.Tyr1216fs)

Gene: FLNC (filamin C; plus strand). Cytogenetic location: 7q32.1.
Variant type: Duplication.
Coding change: c.3645dup on transcript NM_001458.5 (MANE Select); coding-DNA position 3645, one base duplicated (C; older notation c.3645dupC).
Protein change: p.Tyr1216fs; shifts the reading frame from tyrosine 1216.
Molecular consequence: frameshift variant.
Genome position (GRCh38, 1-based): chr7:128,845,110, C duplicated; the last of 2 consecutive C bases (chr7:128,845,109-128,845,110); duplicating either gives the same sequence. VCF-style (leftmost placement, unchanged base first): chr7-128845108-A-AC. GRCh37 (hg19) VCF-style: chr7-128485162-A-AC.
Other names: c.3645dup, p.Tyr1216fs (NM_001127487.2); c.3645dupC (NM_001458.4); short protein forms Y1216fs.
Identifiers: ClinVar variation 4025610 (VCV004025610.1).